The following is an entry in ClinVar:

ClinVar aggregate classification (germline): Uncertain significance. Review status: criteria provided, multiple submitters, no conflicts (2 of 4 stars). 2 submissions from 2 submitters: Uncertain significance (2). Last evaluated 2024-06-16.

Conditions:
Inborn genetic diseases. Identifiers: MedGen C0950123, MeSH D030342.

Allele frequency attached by ClinVar (database versions not stated): ExAC 0.00001; gnomAD exomes below 0.00001.
gnomAD v4.1: 4 of 1,613,626 alleles (0.00025%); highest among the groups gnomAD compares: Non-Finnish European, 0.00034%; no homozygotes.

Submissions (2):

Ambry Genetics
Classification: Uncertain significance for Inborn genetic diseases. Last evaluated: 2024-06-16. Review status: criteria provided, single submitter. Criteria: Ambry Variant Classification Scheme 2023. Collection method: clinical testing. Allele origin: germline.

Labcorp Genetics (formerly Invitae), Labcorp
Classification: Uncertain significance. Last evaluated: 2024-05-06. Review status: criteria provided, single submitter. Criteria: Invitae Variant Classification Sherloc (09022015). Collection method: clinical testing. Allele origin: germline.
Comment: This sequence change replaces valine, which is neutral and non-polar, with leucine, which is neutral and non-polar, at codon 63 of the POC1B protein (p.Val63Leu). This variant is present in population databases (rs780505563, gnomAD 0.0009%). This variant has not been reported in the literature in individuals affected with POC1B-related conditions. ClinVar contains an entry for this variant (Variation ID: 1006212). Advanced modeling of protein sequence and biophysical properties (such as structural, functional, and spatial information, amino acid conservation, physicochemical variation, residue mobility, and thermodynamic stability) performed at Invitae indicates that this missense variant is not expected to disrupt POC1B protein function with a negative predictive value of 80%. In summary, the available evidence is currently insufficient to determine the role of this variant in disease. Therefore, it has been classified as a Variant of Uncertain Significance.

NM_172240.3(POC1B):c.187G>C (p.Val63Leu)

Genes: POC1B (POC1 centriolar protein B; minus strand), POC1B-DUSP6 (POC1B-DUSP6 readthrough; minus strand). Cytogenetic location: 12q21.33.
Variant type: single nucleotide variant.
Coding change: c.187G>C on transcript NM_172240.3 (MANE Select); coding-DNA position 187, G replaced by C.
Protein change: p.Val63Leu; replaces valine 63 with leucine.
Molecular consequence: missense variant.
Genome position (GRCh38, 1-based): chr12:89,497,256, C>G on the plus strand (G>C on the coding strand, the complement: POC1B is on the minus strand). VCF-style: chr12-89497256-C-G. GRCh37 (hg19) VCF-style: chr12-89891033-C-G.
Other names: c.187G>C (NM_172240.2); c.61G>C, p.Val21Leu (NM_001199777.2); short protein forms V21L, V63L.
Identifiers: ClinVar variation 1006212 (VCV001006212.8), dbSNP rs780505563, ClinGen allele CA6714591.